The following is an entry in ClinVar:

NM_002085.5(GPX4):c.*58G>A

Gene: GPX4 (glutathione peroxidase 4; plus strand). Cytogenetic location: 19p13.3.
Variant type: single nucleotide variant.
Coding change: c.*58G>A on transcript NM_002085.5 (MANE Select); 58 bases downstream of the stop codon, G replaced by A.
Molecular consequence: 3 prime UTR variant. On other transcripts: missense variant (1).
Genome position (GRCh38, 1-based): chr19:1,106,630, G>A. VCF-style: chr19-1106630-G-A. GRCh37 (hg19) VCF-style: chr19-1106629-G-A.
Other names: c.674G>A, p.Arg225Gln (NM_001039847.3); c.*58G>A (NM_001039848.4, NM_001367832.1); short protein forms R225Q.
Identifiers: ClinVar variation 3043256 (VCV003043256.3), dbSNP rs372066966, ClinGen allele CA9037560.

ClinVar aggregate classification (germline): Likely benign. Review status: criteria provided, single submitter (1 of 4 stars). 2 submissions from 2 submitters: Likely benign (1). 1 of the submissions does not count toward it. Last evaluated 2024-11-25.

Conditions:
GPX4-related disorder. Also called: GPX4-related condition.

Allele frequency attached by ClinVar (database versions not stated): ESP Exome Variant Server 0.00015; TOPMed 0.00039; 1000 Genomes Project 0.00060; 1000 Genomes Project 30x 0.00062; gnomAD 0.00064; ExAC 0.00131.
gnomAD v4.1: 944 of 1,606,784 alleles (0.059%); highest among the groups gnomAD compares: South Asian, 0.39%; 6 homozygotes.

Submissions (2):

Blueprint Genetics
Classification: Likely benign. Last evaluated: 2024-11-25. Review status: criteria provided, single submitter. Criteria: ACMG Guidelines, 2015. Collection method: clinical testing. Allele origin: germline.

PreventionGenetics, part of Exact Sciences
Classification: Likely benign for GPX4-related condition. Last evaluated: 2022-05-10. Review status: no assertion criteria provided. Collection method: clinical testing. Allele origin: germline. Not counted in ClinVar's aggregate classification.
Comment: This variant is classified as likely benign based on ACMG/AMP sequence variant interpretation guidelines (Richards et al. 2015 PMID: 25741868, with internal and published modifications).